The following is an entry in ClinVar:

NM_032043.3(BRIP1):c.593C>T (p.Pro198Leu)

Gene: BRIP1 (BRCA1 interacting DNA helicase 1; minus strand). Cytogenetic location: 17q23.2.
Variant type: single nucleotide variant.
Coding change: c.593C>T on transcript NM_032043.3 (MANE Select); coding-DNA position 593, C replaced by T.
Protein change: p.Pro198Leu; replaces proline 198 with leucine.
Molecular consequence: missense variant.
Genome position (GRCh38, 1-based): chr17:61,847,135, G>A on the plus strand (C>T on the coding strand, the complement: BRIP1 is on the minus strand). VCF-style: chr17-61847135-G-A. GRCh37 (hg19) VCF-style: chr17-59924496-G-A.
Other names: short protein forms P198L.
Identifiers: ClinVar variation 2775006 (VCV002775006.2), dbSNP rs2145742622, ClinGen allele CA400482940.

ClinVar aggregate classification (germline): Uncertain significance (1 of 4 stars; one submission).

Conditions:
Hereditary cancer-predisposing syndrome. Also called: Neoplastic Syndromes, Hereditary; Tumor predisposition; Hereditary Cancer Syndrome; Hereditary neoplastic syndrome. Identifiers: Orphanet 140162, MedGen C0027672, MeSH D009386, MONDO:0015356.

Submission:

Color Diagnostics, LLC DBA Color Health
Classification: Uncertain significance for Hereditary cancer-predisposing syndrome. Last evaluated: 2024-03-06. Review status: criteria provided, single submitter. Criteria: ACMG Guidelines, 2015. Collection method: clinical testing. Allele origin: germline.
Comment: This missense variant replaces proline with leucine at codon 198 of the BRIP1 protein. Computational prediction suggests that this variant may not impact protein structure and function (internally defined REVEL score threshold <= 0.5, PMID: 27666373). To our knowledge, functional studies have not been reported for this variant. This variant has not been reported in individuals affected with hereditary cancer in the literature. This variant has not been identified in the general population by the Genome Aggregation Database (gnomAD). The available evidence is insufficient to determine the role of this variant in disease conclusively. Therefore, this variant is classified as a Variant of Uncertain Significance.